The following is an entry in ClinVar:

ClinVar aggregate classification (germline): Conflicting classifications of pathogenicity. Review status: criteria provided, conflicting classifications (1 of 4 stars). 2 submissions from 2 submitters: Likely pathogenic (1); Uncertain significance (1). Last evaluated 2017-04-04.

Conditions:
Intellectual developmental disorder, autosomal dominant 6, with or without seizures. Also called: Intellectual disability, autosomal dominant 6; GRIN2B-related developmental delay, intellectual disability and autism spectrum disorder. Identifiers: Orphanet 589547, MedGen C3151411, MONDO:0013509, OMIM 613970.

Submissions (2):

Institute of Human Genetics, University of Leipzig Medical Center
Classification: Uncertain significance for Intellectual developmental disorder, autosomal dominant 6, with or without seizures. Last evaluated: 2017-04-04. Review status: criteria provided, single submitter. Criteria: ACMG Guidelines, 2015. Collection method: clinical testing. Allele origin: de novo. Affected: yes.
Comment: This variant was identified as de novo (maternity and paternity confirmed).

GeneDx
Classification: Likely pathogenic. Last evaluated: 2016-03-09. Review status: criteria provided, single submitter. Criteria: GeneDx Variant Classification (06012015). Collection method: clinical testing. Allele origin: germline. Affected: yes.
Comment: The c.2589delC variant in the GRIN2B gene has not been reported previously, to our knowledge. This variant causes a frameshift starting with codon Isoleucine 864, changes this amino acid to a Serine residue and creates a premature Stop codon at position 20 of the new reading frame, denoted p.Ile864SerfsX20 (k864SfsX20). This mutation is predicted to cause loss of normal protein function through protein truncation as the last 621 amino acids are replaced with 19 incorrect amino acids. Therefore, this variant is likely pathogenic; however, the possibility that it is benign cannot be excluded.

Literature cited by the submitters: PubMed 28377535 (cited by Institute of Human Genetics, University of Leipzig Medical Center).

NM_000834.5(GRIN2B):c.2589del (p.Ile864fs)

Gene: GRIN2B (glutamate ionotropic receptor NMDA type subunit 2B; minus strand). Cytogenetic location: 12p13.1.
Variant type: Deletion.
Coding change: c.2589del on transcript NM_000834.5 (MANE Select); coding-DNA position 2589, one base deleted (C; older notation c.2589delC).
Protein change: p.Ile864fs; shifts the reading frame from isoleucine 864.
Molecular consequence: frameshift variant.
Genome position (GRCh38, 1-based): chr12:13,567,034, G deleted on the plus strand (C on the coding strand, the reverse complement: GRIN2B is on the minus strand); the first of 2 consecutive G bases (chr12:13,567,034-13,567,035); deleting either gives the same sequence. VCF-style (leftmost placement, unchanged base first): chr12-13567033-TG-T. GRCh37 (hg19) VCF-style: chr12-13719967-TG-T.
Other names: short protein forms I864fs.
Identifiers: ClinVar variation 205721 (VCV000205721.3), dbSNP rs796052578, ClinGen allele CA315070.
Genomic context (GRCh38, chr12:13,567,033, plus strand): 5'-CTAGGCTAAGCTGTCCCTAACAAGCTTTAGGCATTTAAATCAAAACACTTACTCTGCTGA[TG>T]GAGAAGACCATGCCAGGCTTGCCAGAACAGACACCCATAAAGCAATGTCGGAACTGCCAA-3'